The following is an entry in ClinVar:

NM_017739.4(POMGNT1):c.121-67_265delinsTAG

Gene: POMGNT1 (protein O-linked mannose N-acetylglucosaminyltransferase 1 (beta 1,2-); minus strand). Cytogenetic location: 1p34.1.
Variant type: Indel.
Coding change: c.121-67_265delinsTAG on transcript NM_017739.4 (MANE Select); 67 bases into the intron before coding-DNA position 121 through coding-DNA position 265, the reference bases replaced by TAG.
Molecular consequence: splice acceptor variant, splice donor variant.
Genome position (GRCh38, 1-based): chr1:46,196,820-46,197,151, 332 bases replaced. GRCh37 (hg19): chr1:46,662,492-46,662,823.
Other names: c.121-67_265delinsTAG (NM_001243766.2, NM_001438686.1, NM_001438688.1 and 3 more transcripts); c.55-67_199delinsTAG (NM_001290129.3, NM_001438691.1, NM_001438692.1); c.-305-71_-165delinsTAG (NM_001290130.2).
Identifiers: ClinVar variation 2014679 (VCV002014679.4), dbSNP rs2525463245, ClinGen allele CA2580063001.

ClinVar aggregate classification (germline): Likely pathogenic (1 of 4 stars; one submission).

Conditions:
Autosomal recessive limb-girdle muscular dystrophy type 2O. Also called: Limb-Girdle Muscular Dystrophy Type 3C; MUSCULAR DYSTROPHY-DYSTROGLYCANOPATHY (LIMB-GIRDLE), TYPE C, 3; MUSCULAR DYSTROPHY-DYSTROGLYCANOPATHY, LIMB-GIRDLE, POMGNT1-RELATED. Identifiers: Orphanet 206564, MedGen C3150417, MONDO:0013161, OMIM 613157.
Muscular dystrophy-dystroglycanopathy (congenital with impaired intellectual development), type B, 3. Also called: MUSCULAR DYSTROPHY, CONGENITAL, POMGNT1-RELATED; Muscular dystrophy-dystroglycanopathy (congenital with intellectual disability), type B3. Identifiers: MedGen C3150412, MONDO:0013155, OMIM 613151.

Submission:

Labcorp Genetics (formerly Invitae), Labcorp
Classification: Likely pathogenic for Autosomal recessive limb-girdle muscular dystrophy type 2O; Muscular dystrophy-dystroglycanopathy (congenital with impaired intellectual development), type B, 3. Last evaluated: 2024-10-08. Review status: criteria provided, single submitter. Criteria: Invitae Variant Classification Sherloc (09022015). Collection method: clinical testing. Allele origin: germline.
Comment: This variant results in the deletion of exon 3 and part of exon 4 (c.121-67_265delinsTAG) of the POMGNT1 gene. It is expected to disrupt RNA splicing. Variants that disrupt the donor or acceptor splice site typically lead to a loss of protein function (PMID: 16199547), and loss-of-function variants in POMGNT1 are known to be pathogenic (PMID: 19299310, 20816175, 21447391, 26908613, 27391550). This variant is not present in population databases (gnomAD no frequency). This variant has not been reported in the literature in individuals affected with POMGNT1-related conditions. In summary, the currently available evidence indicates that the variant is pathogenic, but additional data are needed to prove that conclusively. Therefore, this variant has been classified as Likely Pathogenic.

Literature cited by the submitters: PubMed 16199547; PubMed 19299310; PubMed 20816175; PubMed 21447391; PubMed 26908613; PubMed 27391550.